The following is an entry in ClinVar:

ClinVar aggregate classification (germline): Uncertain significance (1 of 4 stars; one submission).

Conditions:
Inborn genetic diseases. Identifiers: MedGen C0950123, MeSH D030342.

Submission:

Ambry Genetics
Classification: Uncertain significance for Inborn genetic diseases. Last evaluated: 2024-11-28. Review status: criteria provided, single submitter. Criteria: Ambry Variant Classification Scheme 2023. Collection method: clinical testing. Allele origin: germline.
Comment: The p.K1577M variant (also known as c.4730A>T), located in coding exon 19 of the FANCM gene, results from an A to T substitution at nucleotide position 4730. The lysine at codon 1577 is replaced by methionine, an amino acid with similar properties. This amino acid position is conserved. In addition, this alteration is predicted to be tolerated by in silico analysis. Based on the available evidence, the clinical significance of this variant remains unclear.

NM_020937.4(FANCM):c.4730A>T (p.Lys1577Met)

Gene: FANCM (FA complementation group M; plus strand). Cytogenetic location: 14q21.2.
Variant type: single nucleotide variant.
Coding change: c.4730A>T on transcript NM_020937.4 (MANE Select); coding-DNA position 4730, A replaced by T.
Protein change: p.Lys1577Met; replaces lysine 1577 with methionine.
Molecular consequence: missense variant.
Genome position (GRCh38, 1-based): chr14:45,187,838, A>T. VCF-style: chr14-45187838-A-T. GRCh37 (hg19) VCF-style: chr14-45657041-A-T.
Other names: c.4652A>T, p.Lys1551Met (NM_001308133.2); short protein forms K1551M, K1577M.
Identifiers: ClinVar variation 3512949 (VCV003512949.1).